The following is an entry in ClinVar:

NM_000016.6(ACADM):c.708+8A>C

Gene: ACADM (acyl-CoA dehydrogenase medium chain; plus strand). Cytogenetic location: 1p31.1.
Variant type: single nucleotide variant.
Coding change: c.708+8A>C on transcript NM_000016.6 (MANE Select); 8 bases into the intron after coding-DNA position 708, A replaced by C.
Molecular consequence: intron variant.
Genome position (GRCh38, 1-based): chr1:75,745,922, A>C. VCF-style: chr1-75745922-A-C. GRCh37 (hg19) VCF-style: chr1-76211607-A-C.
Other names: c.600+8A>C (NM_001286042.2); c.141+8A>C (NM_001286044.2); c.720+8A>C (NM_001127328.3); c.807+8A>C (NM_001286043.2).
Identifiers: ClinVar variation 513619 (VCV000513619.8), dbSNP rs372454296, ClinGen allele CA913178.

ClinVar aggregate classification (germline): Likely benign. Review status: criteria provided, multiple submitters, no conflicts (2 of 4 stars). 2 submissions from 2 submitters: Likely benign (2). Last evaluated 2022-12-07.

Conditions:
Medium-chain acyl-coenzyme A dehydrogenase deficiency (ACADMD). Also called: CARNITINE DEFICIENCY SECONDARY TO MEDIUM-CHAIN ACYL-CoA DEHYDROGENASE DEFICIENCY; MCAD Deficiency; MCADD; ACADM DEFICIENCY; MCADH DEFICIENCY; Medium chain acyl-CoA dehydrogenase deficiency. Identifiers: Orphanet 42, MedGen C0220710, MONDO:0008721, OMIM 201450.

Allele frequency attached by ClinVar (database versions not stated): gnomAD exomes below 0.00001; ExAC 0.00001; ESP Exome Variant Server 0.00008.
gnomAD v4.1: 2 of 1,581,876 alleles (0.00013%); highest among the groups gnomAD compares: Non-Finnish European, 0.00017%; no homozygotes.

Submissions (2):

Labcorp Genetics (formerly Invitae), Labcorp
Classification: Likely benign for Medium-chain acyl-coenzyme A dehydrogenase deficiency. Last evaluated: 2022-12-07. Review status: criteria provided, single submitter. Criteria: Invitae Variant Classification Sherloc (09022015). Collection method: clinical testing. Allele origin: germline.

GeneDx
Classification: Likely benign. Last evaluated: 2017-12-11. Review status: criteria provided, single submitter. Criteria: GeneDx Variant Classification (06012015). Collection method: clinical testing. Allele origin: germline. Affected: yes.
Comment: This variant is considered likely benign or benign based on one or more of the following criteria: it is a conservative change, it occurs at a poorly conserved position in the protein, it is predicted to be benign by multiple in silico algorithms, and/or has population frequency not consistent with disease.